The following is an entry in ClinVar:

NM_001286.5(CLCN6):c.1117G>A (p.Val373Ile)

Gene: CLCN6 (chloride voltage-gated channel 6; plus strand). Cytogenetic location: 1p36.22.
Variant type: single nucleotide variant.
Coding change: c.1117G>A on transcript NM_001286.5 (MANE Select); coding-DNA position 1117, G replaced by A.
Protein change: p.Val373Ile; replaces valine 373 with isoleucine.
Molecular consequence: missense variant. On other transcripts: non-coding transcript variant (1).
Genome position (GRCh38, 1-based): chr1:11,828,620, G>A. VCF-style: chr1-11828620-G-A. GRCh37 (hg19) VCF-style: chr1-11888677-G-A.
Other names: c.1051G>A, p.Val351Ile (NM_001256959.2); short protein forms V351I, V373I.
Identifiers: ClinVar variation 2962118 (VCV002962118.3), dbSNP rs371436093, ClinGen allele CA596332.
Genomic context (GRCh38, chr1:11,828,620, plus strand): 5'-TGTCTGAACAAGAGGCTTGCAAAGTACCGTATGCGAAACGTGCACCCGAAACCTAAGCTC[G>A]TCAGGTATCTGCACAGTCGCCTCCCCCCCGAGCCTGCTGCGGCTCCCTGAGCTTGGTGTG-3'
Protein context (NP_001277.2, residues 363-383): MRNVHPKPKL[Val373Ile]RVLESLLVSL

ClinVar aggregate classification (germline): Uncertain significance (1 of 4 stars; one submission).

Allele frequency attached by ClinVar (database versions not stated): ExAC 0.00002; TOPMed 0.00002; gnomAD 0.00004; 1000 Genomes Project 30x 0.00031.
gnomAD v4.1: 26 of 1,606,450 alleles (0.0016%); highest among the groups gnomAD compares: South Asian, 0.0056%; no homozygotes.

Submission:

Labcorp Genetics (formerly Invitae), Labcorp
Classification: Uncertain significance. Last evaluated: 2024-10-22. Review status: criteria provided, single submitter. Criteria: Invitae Variant Classification Sherloc (09022015). Collection method: clinical testing. Allele origin: germline.
Comment: This sequence change replaces valine, which is neutral and non-polar, with isoleucine, which is neutral and non-polar, at codon 373 of the CLCN6 protein (p.Val373Ile). This variant is present in population databases (rs371436093, gnomAD 0.008%). This variant has not been reported in the literature in individuals affected with CLCN6-related conditions. An algorithm developed to predict the effect of missense changes on protein structure and function (PolyPhen-2) suggests that this variant is likely to be tolerated. In summary, the available evidence is currently insufficient to determine the role of this variant in disease. Therefore, it has been classified as a Variant of Uncertain Significance.